The following is an entry in ClinVar:

NM_024426.6(WT1):c.413C>G (p.Pro138Arg)

Genes: WT1 (WT1 transcription factor; minus strand), LOC107982234 (WT1/WT1-AS bi-directional promoter region; plus strand). Cytogenetic location: 11p13.
Variant type: single nucleotide variant.
Coding change: c.413C>G on transcript NM_024426.6 (MANE Select); coding-DNA position 413, C replaced by G.
Protein change: p.Pro138Arg; replaces proline 138 with arginine.
Molecular consequence: missense variant. On other transcripts: non-coding transcript variant (1).
Genome position (GRCh38, 1-based): chr11:32,434,948, G>C on the plus strand (C>G on the coding strand, the complement: WT1 is on the minus strand). VCF-style: chr11-32434948-G-C. GRCh37 (hg19) VCF-style: chr11-32456494-G-C.
Other names: c.413C>G, p.Pro138Arg (NM_000378.6, NM_024424.5); short protein forms P138R.
Identifiers: ClinVar variation 848604 (VCV000848604.14), dbSNP rs1853450493, ClinGen allele CA379965734.

ClinVar aggregate classification (germline): Uncertain significance (1 of 4 stars; one submission).

Conditions:
Frasier syndrome. Identifiers: Orphanet 347, MedGen C0950122, MeSH D052159, MONDO:0007635, OMIM 136680.
Wilms tumor 1 (WT1). Also called: Wilms tumor, somatic. Identifiers: Orphanet 654, MedGen CN033288, MONDO:0008679, OMIM 194070.
11p partial monosomy syndrome (WAGR). Also called: WAGR Complex; WAGR Spectrum Disorder; CHROMOSOME 11p13 DELETION SYNDROME; WAGR syndrome. Identifiers: Orphanet 893, MedGen C0206115, MONDO:0008681, OMIM 194072.
Drash syndrome (DDS). Also called: WILMS TUMOR AND PSEUDO- OR TRUE HERMAPHRODITISM; NEPHROPATHY, WILMS TUMOR, AND GENITAL ANOMALIES. Identifiers: Orphanet 220, MedGen C0950121, MONDO:0008682, OMIM 194080.

Submission:

Labcorp Genetics (formerly Invitae), Labcorp
Classification: Uncertain significance for Wilms tumor 1; Drash syndrome; 11p partial monosomy syndrome; Frasier syndrome. Last evaluated: 2020-01-17. Review status: criteria provided, single submitter. Criteria: Invitae Variant Classification Sherloc (09022015). Collection method: clinical testing. Allele origin: germline.
Comment: Algorithms developed to predict the effect of missense changes on protein structure and function are either unavailable or do not agree on the potential impact of this missense change (SIFT: "Deleterious"; PolyPhen-2: "Possibly Damaging"; Align-GVGD: "Class C0"). This sequence change replaces proline with arginine at codon 133 of the WT1 protein (p.Pro133Arg). The proline residue is weakly conserved and there is a moderate physicochemical difference between proline and arginine. This variant is not present in population databases (ExAC no frequency). This variant has not been reported in the literature in individuals with WT1-related conditions. In summary, the available evidence is currently insufficient to determine the role of this variant in disease. Therefore, it has been classified as a Variant of Uncertain Significance.